The following is an entry in ClinVar:

ClinVar aggregate classification (germline): Likely benign (1 of 4 stars; one submission).

Allele frequency attached by ClinVar (database versions not stated): gnomAD 0.00093; ExAC 0.00113; gnomAD exomes 0.00150; 1000 Genomes Project 30x 0.00016; 1000 Genomes Project 0.00020; ESP Exome Variant Server 0.00175; TOPMed 0.00191.
gnomAD v4.1: 2,363 of 1,613,348 alleles (0.15%); highest among the groups gnomAD compares: Non-Finnish European, 0.19%; 38 homozygotes.

Submission:

CeGaT Center for Human Genetics Tuebingen
Classification: Likely benign. Last evaluated: 2023-04-01. Review status: criteria provided, single submitter. Criteria: CeGaT Center For Human Genetics Tuebingen Variant Classification Criteria Version 2. Collection method: clinical testing. Allele origin: germline. Affected: yes. Observed: 1 variant allele.
Comment: ATAD3C: BS2

NM_001039211.3(ATAD3C):c.149T>A (p.Ile50Asn)

Gene: ATAD3C (ATPase family AAA domain containing 3C; plus strand). Cytogenetic location: 1p36.33.
Variant type: single nucleotide variant.
Coding change: c.149T>A on transcript NM_001039211.3 (MANE Select); coding-DNA position 149, T replaced by A.
Protein change: p.Ile50Asn; replaces isoleucine 50 with asparagine.
Molecular consequence: missense variant.
Genome position (GRCh38, 1-based): chr1:1,452,119, T>A. VCF-style: chr1-1452119-T-A. GRCh37 (hg19) VCF-style: chr1-1387499-T-A.
Other names: short protein forms I50N.
Identifiers: ClinVar variation 2638012 (VCV002638012.24), dbSNP rs199583997, ClinGen allele CA523406.
Genomic context (GRCh38, chr1:1,452,119, plus strand): 5'-AGGATTTACGGAAGCAGGAGGAGTCCGTGCAGAAGCACCATCAGACCTTCTTGGAGTCCA[T>A]CAGGTGAGCGCTGCCGAGGCCCGGGCCGGCCGCAGATGGAGCCCCCACAGGTGTGAGTCG-3'
Protein context (NP_001034300.2, residues 40-60): QKHHQTFLES[Ile50Asn]RAAGTLFGEG